The following is an entry in ClinVar:

NM_001367624.2(ZNF469):c.10870C>T (p.Arg3624Cys)

Gene: ZNF469 (zinc finger protein 469; plus strand). Cytogenetic location: 16q24.2.
Variant type: single nucleotide variant.
Coding change: c.10870C>T on transcript NM_001367624.2 (MANE Select); coding-DNA position 10870, C replaced by T.
Protein change: p.Arg3624Cys; replaces arginine 3624 with cysteine.
Molecular consequence: missense variant.
Genome position (GRCh38, 1-based): chr16:88,438,340, C>T. VCF-style: chr16-88438340-C-T. GRCh37 (hg19) VCF-style: chr16-88504748-C-T.
Other names: NM_001127464.1:c.10786C>T; p.Arg3624Cys; short protein forms R3624C.
Identifiers: ClinVar variation 2624536 (VCV002624536.4), dbSNP rs554588038, ClinGen allele CA286387355.

ClinVar aggregate classification (germline): Uncertain significance. Review status: criteria provided, multiple submitters, no conflicts (2 of 4 stars). 2 submissions from 2 submitters: Uncertain significance (2). Last evaluated 2025-04-12.

Conditions:
Cardiovascular phenotype. Identifiers: MedGen CN230736.

Allele frequency attached by ClinVar (database versions not stated): gnomAD 0.00002; TOPMed 0.00002; 1000 Genomes Project 30x 0.00016; 1000 Genomes Project 0.00020.
gnomAD v4.1: 23 of 1,550,204 alleles (0.0015%); highest among the groups gnomAD compares: South Asian, 0.019%; no homozygotes.

Submissions (2):

Ambry Genetics
Classification: Uncertain significance for Cardiovascular phenotype. Last evaluated: 2025-04-12. Review status: criteria provided, single submitter. Criteria: Ambry Variant Classification Scheme 2023. Collection method: clinical testing. Allele origin: germline.

Mayo Clinic Laboratories, Mayo Clinic
Classification: Uncertain significance. Last evaluated: 2023-10-17. Review status: criteria provided, single submitter. Criteria: ACMG Guidelines, 2015. Collection method: clinical testing. Allele origin: germline. Observed: 2 variant alleles.
Comment: BP4